The following is an entry in ClinVar:

NM_001943.5(DSG2):c.890A>G (p.Asp297Gly)

Gene: DSG2 (desmoglein 2; plus strand). Cytogenetic location: 18q12.1.
Variant type: single nucleotide variant.
Coding change: c.890A>G on transcript NM_001943.5 (MANE Select); coding-DNA position 890, A replaced by G.
Protein change: p.Asp297Gly; replaces aspartic acid 297 with glycine.
Molecular consequence: missense variant.
Genome position (GRCh38, 1-based): chr18:31,524,764, A>G. VCF-style: chr18-31524764-A-G. GRCh37 (hg19) VCF-style: chr18-29104727-A-G.
Other names: short protein forms D297G.
Identifiers: ClinVar variation 4710454 (VCV004710454.1).

ClinVar aggregate classification (germline): Uncertain significance (1 of 4 stars; one submission).

Conditions:
Arrhythmogenic right ventricular dysplasia 10. Also called: Arrhythmogenic Right Ventricular Dysplasia/Cardiomyopathy10; ARRHYTHMOGENIC RIGHT VENTRICULAR DYSPLASIA, FAMILIAL, 10; Arrhythmogenic right ventricular dysplasia/cardiomyopathy, type 10. Identifiers: MedGen C1857777, MONDO:0012434, OMIM 610193.

Submission:

Labcorp Genetics (formerly Invitae), Labcorp
Classification: Uncertain significance for Arrhythmogenic right ventricular dysplasia 10. Last evaluated: 2025-05-04. Review status: criteria provided, single submitter. Criteria: Invitae Variant Classification Sherloc (09022015). Collection method: clinical testing. Allele origin: germline.
Comment: This sequence change replaces aspartic acid, which is acidic and polar, with glycine, which is neutral and non-polar, at codon 297 of the DSG2 protein (p.Asp297Gly). This variant is not present in population databases (gnomAD no frequency). This missense change has been observed in individual(s) with DSG2-related conditions (PMID: 24070718). Invitae Evidence Modeling of protein sequence and biophysical properties (such as structural, functional, and spatial information, amino acid conservation, physicochemical variation, residue mobility, and thermodynamic stability) has been performed for this missense variant. However, the output from this modeling did not meet the statistical confidence thresholds required to predict the impact of this variant on DSG2 protein function. In summary, the available evidence is currently insufficient to determine the role of this variant in disease. Therefore, it has been classified as a Variant of Uncertain Significance.

Literature cited by the submitters: PubMed 24070718.